The following is an entry in ClinVar:

ClinVar aggregate classification (germline): Uncertain significance. Review status: criteria provided, multiple submitters, no conflicts (2 of 4 stars). 4 submissions from 4 submitters: Uncertain significance (4). Last evaluated 2024-12-16.

Conditions:
Cardiovascular phenotype. Identifiers: MedGen CN230736.
Lethal congenital glycogen storage disease of heart. Also called: GLYCOGEN STORAGE DISEASE OF HEART; PHOSPHORYLASE KINASE DEFICIENCY OF HEART. Identifiers: Orphanet 439854, MedGen C1849813, MONDO:0009867, OMIM 261740.

Allele frequency attached by ClinVar (database versions not stated): gnomAD 0.00001; TOPMed below 0.00001.
gnomAD v4.1: 4 of 1,613,272 alleles (0.00025%); highest among the groups gnomAD compares: African/African-American, 0.0013%; no homozygotes.

Submissions (4):

Labcorp Genetics (formerly Invitae), Labcorp
Classification: Uncertain significance for Lethal congenital glycogen storage disease of heart. Last evaluated: 2024-12-16. Review status: criteria provided, single submitter. Criteria: Invitae Variant Classification Sherloc (09022015). Collection method: clinical testing. Allele origin: germline.
Comment: This sequence change replaces leucine, which is neutral and non-polar, with valine, which is neutral and non-polar, at codon 327 of the PRKAG2 protein (p.Leu327Val). This variant is not present in population databases (gnomAD no frequency). This variant has not been reported in the literature in individuals affected with PRKAG2-related conditions. ClinVar contains an entry for this variant (Variation ID: 181490). Invitae Evidence Modeling of protein sequence and biophysical properties (such as structural, functional, and spatial information, amino acid conservation, physicochemical variation, residue mobility, and thermodynamic stability) indicates that this missense variant is expected to disrupt PRKAG2 protein function with a positive predictive value of 95%. Algorithms developed to predict the effect of sequence changes on RNA splicing suggest that this variant may disrupt the consensus splice site. In summary, the available evidence is currently insufficient to determine the role of this variant in disease. Therefore, it has been classified as a Variant of Uncertain Significance.

Ambry Genetics
Classification: Uncertain significance for Cardiovascular phenotype. Last evaluated: 2017-07-20. Review status: criteria provided, single submitter. Criteria: Ambry Variant Classification Scheme 2023. Collection method: clinical testing. Allele origin: germline.
Comment: The p.L327V variant (also known as c.979C>G), located in coding exon 8 of the PRKAG2 gene, results from a C to G substitution at nucleotide position 979. The leucine at codon 327 is replaced by valine, an amino acid with highly similar properties. This amino acid position is highly conserved in available vertebrate species. In addition, this alteration is predicted to be deleterious by in silico analysis. Since supporting evidence is limited at this time, the clinical significance of this alteration remains unclear.

Stanford Center for Inherited Cardiovascular Disease, Stanford University
Classification: Uncertain significance. Last evaluated: 2017-04-21. Review status: criteria provided, single submitter. Criteria: ACMG Guidelines, 2015. Collection method: provider interpretation. Allele origin: germline.

GeneDx
Classification: Uncertain significance. Last evaluated: 2016-04-20. Review status: criteria provided, single submitter. Criteria: GeneDx Variant Classification (06012015). Collection method: clinical testing. Allele origin: germline. Affected: yes.
Comment: The L327V variant of uncertain significance in the PRKAG2 gene has not been published as a pathogenic variant or been reported as a benign variant to our knowledge. This variant was not observed in approximately 6,500 individuals of European and African American ancestry in the NHLBI Exome Sequencing Project, indicating it is not a common benign variant in these populations. Although the L327V variant occurs at a position that is conserved across species, it is a conservative amino acid substitution, which is not likely to impact secondary protein structure as these residues share similar properties. Consequently, in silico analysis is inconsistent in its predictions as to whether or not the variant is damaging to the protein structure/function. Therefore, based on the currently available information, it is unclear whether this variant is pathogenic or benign.

NM_016203.4(PRKAG2):c.979C>G (p.Leu327Val)

Gene: PRKAG2 (protein kinase AMP-activated non-catalytic subunit gamma 2; minus strand). Cytogenetic location: 7q36.1.
Variant type: single nucleotide variant.
Coding change: c.979C>G on transcript NM_016203.4 (MANE Select); coding-DNA position 979, C replaced by G.
Protein change: p.Leu327Val; replaces leucine 327 with valine.
Molecular consequence: missense variant.
Genome position (GRCh38, 1-based): chr7:151,574,917, G>C on the plus strand (C>G on the coding strand, the complement: PRKAG2 is on the minus strand). VCF-style: chr7-151574917-G-C. GRCh37 (hg19) VCF-style: chr7-151272003-G-C.
Other names: p.L327V:CTA>GTA; c.847C>G, p.Leu283Val (NM_001040633.2); c.604C>G, p.Leu202Val (NM_001304527.2); c.256C>G, p.Leu86Val (NM_001304531.2, NM_024429.2); c.607C>G, p.Leu203Val (NM_001363698.2); short protein forms L327V, L203V, L283V, L202V, L86V.
Identifiers: ClinVar variation 181490 (VCV000181490.14), dbSNP rs730880988, ClinGen allele CA014713.